The following is an entry in ClinVar:

ClinVar aggregate classification (germline): Uncertain significance (1 of 4 stars; one submission).

Submission:

Labcorp Genetics (formerly Invitae), Labcorp
Classification: Uncertain significance. Last evaluated: 2024-11-11. Review status: criteria provided, single submitter. Criteria: Invitae Variant Classification Sherloc (09022015). Collection method: clinical testing. Allele origin: germline.
Comment: This sequence change replaces glutamic acid, which is acidic and polar, with lysine, which is basic and polar, at codon 461 of the CEP97 protein (p.Glu461Lys). This variant is not present in population databases (gnomAD no frequency). This variant has not been reported in the literature in individuals affected with CEP97-related conditions. ClinVar contains an entry for this variant (Variation ID: 1981950). Invitae Evidence Modeling of protein sequence and biophysical properties (such as structural, functional, and spatial information, amino acid conservation, physicochemical variation, residue mobility, and thermodynamic stability) indicates that this missense variant is not expected to disrupt CEP97 protein function with a negative predictive value of 80%. In summary, the available evidence is currently insufficient to determine the role of this variant in disease. Therefore, it has been classified as a Variant of Uncertain Significance.

NM_024548.4(CEP97):c.1381G>A (p.Glu461Lys)

Gene: CEP97 (centrosomal protein 97; plus strand). Cytogenetic location: 3q12.3.
Variant type: single nucleotide variant.
Coding change: c.1381G>A on transcript NM_024548.4 (MANE Select); coding-DNA position 1381, G replaced by A.
Protein change: p.Glu461Lys; replaces glutamic acid 461 with lysine.
Molecular consequence: missense variant.
Genome position (GRCh38, 1-based): chr3:101,757,987, G>A. VCF-style: chr3-101757987-G-A. GRCh37 (hg19) VCF-style: chr3-101476831-G-A.
Other names: c.1102G>A, p.Glu368Lys (NM_001410785.1); c.1204G>A, p.Glu402Lys (NM_001303401.2); c.1279G>A, p.Glu427Lys (NM_001410784.1); short protein forms E368K, E427K, E402K, E461K.
Identifiers: ClinVar variation 1981950 (VCV001981950.4), dbSNP rs2545846082, ClinGen allele CA353877456.